The following is an entry in ClinVar:

NM_001042413.2(GLIS3):c.2107C>T (p.Pro703Ser)

Genes: GLIS3 (GLIS family zinc finger 3; minus strand), GLIS3-AS1 (GLIS3 antisense RNA 1; plus strand). Cytogenetic location: 9p24.2.
Variant type: single nucleotide variant.
Coding change: c.2107C>T on transcript NM_001042413.2 (MANE Select); coding-DNA position 2107, C replaced by T.
Protein change: p.Pro703Ser; replaces proline 703 with serine.
Molecular consequence: missense variant. On other transcripts: non-coding transcript variant (1).
Genome position (GRCh38, 1-based): chr9:3,898,712, G>A on the plus strand (C>T on the coding strand, the complement: GLIS3 is on the minus strand). VCF-style: chr9-3898712-G-A. GRCh37 (hg19) VCF-style: chr9-3898712-G-A.
Other names: c.1642C>T, p.Pro548Ser (NM_152629.4); short protein forms P703S, P548S.
Identifiers: ClinVar variation 914825 (VCV000914825.12), dbSNP rs200705602, ClinGen allele CA4967956.

ClinVar aggregate classification (germline): Uncertain significance. Review status: criteria provided, multiple submitters, no conflicts (2 of 4 stars). 3 submissions from 3 submitters: Uncertain significance (3). Last evaluated 2021-09-06.

Conditions:
Neonatal diabetes mellitus with congenital hypothyroidism. Also called: NDH SYNDROME. Identifiers: Orphanet 79118, MedGen C1857775, MONDO:0012436, OMIM 610199.

Allele frequency attached by ClinVar (database versions not stated): ExAC 0.00002; gnomAD 0.00003 and 0.00004; gnomAD exomes 0.00003 and 0.00007; TOPMed 0.00006.
gnomAD v4.1: 113 of 1,614,020 alleles (0.007%); highest among the groups gnomAD compares: Non-Finnish European, 0.0089%; no homozygotes.

Submissions (3):

Fulgent Genetics
Classification: Uncertain significance for Neonatal diabetes mellitus with congenital hypothyroidism. Last evaluated: 2021-09-06. Review status: criteria provided, single submitter. Criteria: ACMG Guidelines, 2015. Collection method: clinical testing. Allele origin: unknown.

Labcorp Genetics (formerly Invitae), Labcorp
Classification: Uncertain significance. Last evaluated: 2020-12-10. Review status: criteria provided, single submitter. Criteria: Invitae Variant Classification Sherloc (09022015). Collection method: clinical testing. Allele origin: germline.
Comment: This variant is present in population databases (rs200705602, ExAC 0.005%). This sequence change replaces proline with serine at codon 548 of the GLIS3 protein (p.Pro548Ser). The proline residue is highly conserved and there is a moderate physicochemical difference between proline and serine. In summary, the available evidence is currently insufficient to determine the role of this variant in disease. Therefore, it has been classified as a Variant of Uncertain Significance. Algorithms developed to predict the effect of missense changes on protein structure and function output the following: SIFT: "Deleterious"; PolyPhen-2: "Benign"; Align-GVGD: "Class C65". The serine amino acid residue is found in multiple mammalian species, suggesting that this missense change does not adversely affect protein function. These predictions have not been confirmed by published functional studies and their clinical significance is uncertain. This variant has not been reported in the literature in individuals with GLIS3-related conditions. ClinVar contains an entry for this variant (Variation ID: 914825).

Illumina Laboratory Services, Illumina
Classification: Uncertain significance for Neonatal diabetes mellitus with congenital hypothyroidism. Last evaluated: 2018-01-13. Review status: criteria provided, single submitter. Criteria: ICSL Variant Classification Criteria 13 December 2019. Collection method: clinical testing. Allele origin: germline.